The following is an entry in ClinVar:

NM_001163435.3(TBCK):c.1727A>G (p.Lys576Arg)

Gene: TBCK (TBC1 domain containing kinase; minus strand). Cytogenetic location: 4q24.
Variant type: single nucleotide variant.
Coding change: c.1727A>G on transcript NM_001163435.3 (MANE Select); coding-DNA position 1727, A replaced by G.
Protein change: p.Lys576Arg; replaces lysine 576 with arginine.
Molecular consequence: missense variant.
Genome position (GRCh38, 1-based): chr4:106,230,410, T>C on the plus strand (A>G on the coding strand, the complement: TBCK is on the minus strand). VCF-style: chr4-106230410-T-C. GRCh37 (hg19) VCF-style: chr4-107151567-T-C.
Other names: c.1727A>G, p.Lys576Arg (NM_001163436.4); c.1610A>G, p.Lys537Arg (NM_001163437.3); c.1211A>G, p.Lys404Arg (NM_001290768.2); c.1538A>G, p.Lys513Arg (NM_033115.5); short protein forms K404R, K513R, K537R, K576R.
Identifiers: ClinVar variation 1512990 (VCV001512990.8), dbSNP rs1164992502, ClinGen allele CA357821919.
Genomic context (GRCh38, chr4:106,230,410, plus strand): 5'-GACATTTGCTTACCTTGTATTACATGTGAGTTGTCTTTTAAGAAGAAGTTATACAGGTAT[T>C]TGGGAATAAAAGCAGACATACATGCATAAGCCAAGGCTAAAAGAGAATAAGGCAAAGGCA-3'
Protein context (NP_001156907.2, residues 566-586): AYACMSAFIP[Lys576Arg]YLYNFFLKDN

ClinVar aggregate classification (germline): Uncertain significance (1 of 4 stars; one submission).

Submission:

Labcorp Genetics (formerly Invitae), Labcorp
Classification: Uncertain significance. Last evaluated: 2022-10-24. Review status: criteria provided, single submitter. Criteria: Invitae Variant Classification Sherloc (09022015). Collection method: clinical testing. Allele origin: germline.
Comment: ClinVar contains an entry for this variant (Variation ID: 1512990). In summary, the available evidence is currently insufficient to determine the role of this variant in disease. Therefore, it has been classified as a Variant of Uncertain Significance. Algorithms developed to predict the effect of sequence changes on RNA splicing suggest that this variant may disrupt the consensus splice site. Advanced modeling of protein sequence and biophysical properties (such as structural, functional, and spatial information, amino acid conservation, physicochemical variation, residue mobility, and thermodynamic stability) performed at Invitae indicates that this missense variant is not expected to disrupt TBCK protein function. This variant has not been reported in the literature in individuals affected with TBCK-related conditions. This variant is not present in population databases (gnomAD no frequency). This sequence change replaces lysine, which is basic and polar, with arginine, which is basic and polar, at codon 576 of the TBCK protein (p.Lys576Arg).